The following is an entry in ClinVar:

NM_000059.4(BRCA2):c.7081C>T (p.His2361Tyr)

Gene: BRCA2 (BRCA2 DNA repair associated; plus strand). Cytogenetic location: 13q13.1.
Variant type: single nucleotide variant.
Coding change: c.7081C>T on transcript NM_000059.4 (MANE Select); coding-DNA position 7081, C replaced by T.
Protein change: p.His2361Tyr; replaces histidine 2361 with tyrosine.
Molecular consequence: missense variant.
Genome position (GRCh38, 1-based): chr13:32,354,934, C>T. VCF-style: chr13-32354934-C-T. GRCh37 (hg19) VCF-style: chr13-32929071-C-T.
Other names: short protein forms H2361Y.
Identifiers: ClinVar variation 187126 (VCV000187126.21), dbSNP rs786203493, ClinGen allele CA024848.

ClinVar aggregate classification (germline): Conflicting classifications of pathogenicity. Review status: criteria provided, conflicting classifications (1 of 4 stars). 8 submissions from 8 submitters: Uncertain significance (7); Likely benign (1). Last evaluated 2025-08-18.

Conditions:
Hereditary cancer-predisposing syndrome. Also called: Tumor predisposition; Neoplastic Syndromes, Hereditary; Hereditary neoplastic syndrome; Hereditary Cancer Syndrome. Identifiers: Orphanet 140162, MedGen C0027672, MeSH D009386, MONDO:0015356.
Hereditary breast ovarian cancer syndrome. Also called: Hereditary breast and ovarian cancer syndrome; Hereditary breast and ovarian cancer syndrome (HBOC); Hereditary breast and ovarian cancer; Breast and ovarian cancer; BRCA1- and BRCA2-Associated Hereditary Breast and Ovarian Cancer; Hereditary breast and/or ovarian cancer syndrome. Identifiers: Orphanet 145, MedGen C0677776, MeSH D061325, MONDO:0003582. Disease mechanism: loss of function.
Breast-ovarian cancer, familial, susceptibility to, 2 (BROVCA2). Also called: BRCA2 Hereditary Breast and Ovarian Cancer. Identifiers: Orphanet 145, MedGen C2675520, MONDO:0012933, OMIM 612555. Disease mechanism: loss of function.

Allele frequency attached by ClinVar (database versions not stated): gnomAD exomes below 0.00001; TOPMed 0.00001.
gnomAD v4.1: 6 of 1,613,846 alleles (0.00037%); highest among the groups gnomAD compares: Non-Finnish European, 0.00034%; no homozygotes.

Submissions (8):

Labcorp Genetics (formerly Invitae), Labcorp
Classification: Uncertain significance for Hereditary breast ovarian cancer syndrome. Last evaluated: 2025-08-18. Review status: criteria provided, single submitter. Criteria: Invitae Variant Classification Sherloc (09022015). Collection method: clinical testing. Allele origin: germline.
Comment: This sequence change replaces histidine, which is basic and polar, with tyrosine, which is neutral and polar, at codon 2361 of the BRCA2 protein (p.His2361Tyr). This variant is present in population databases (rs786203493, gnomAD 0.0009%). This missense change has been observed in individual(s) with breast cancer and/or ovarian cancer (PMID: 29297111, 34326862). ClinVar contains an entry for this variant (Variation ID: 187126). Invitae Evidence Modeling of protein sequence and biophysical properties (such as structural, functional, and spatial information, amino acid conservation, physicochemical variation, residue mobility, and thermodynamic stability) indicates that this missense variant is not expected to disrupt BRCA2 protein function with a negative predictive value of 95%. In summary, the available evidence is currently insufficient to determine the role of this variant in disease. Therefore, it has been classified as a Variant of Uncertain Significance.

Myriad Genetics, Inc.
Classification: Likely benign for Breast-ovarian cancer, familial, susceptibility to, 2. Last evaluated: 2025-08-13. Review status: criteria provided, single submitter. Criteria: Myriad Autosomal Dominant, Autosomal Recessive and X-Linked Classification Criteria (2023). Collection method: clinical testing. Allele origin: unknown.
Comment: This variant is considered likely benign. This variant is strongly associated with less severe personal and family histories of cancer, typical for individuals without pathogenic variants in this gene [PMID: 25085752].

Ambry Genetics
Classification: Uncertain significance for Hereditary cancer-predisposing syndrome. Last evaluated: 2024-05-27. Review status: criteria provided, single submitter. Criteria: Ambry Variant Classification Scheme 2023. Collection method: clinical testing. Allele origin: germline.
Comment: The p.H2361Y variant (also known as c.7081C>T), located in coding exon 13 of the BRCA2 gene, results from a C to T substitution at nucleotide position 7081. The histidine at codon 2361 is replaced by tyrosine, an amino acid with similar properties. This amino acid position is not well conserved in available vertebrate species. In addition, the in silico prediction for this alteration is inconclusive. Based on the available evidence, the clinical significance of this variant remains unclear.

All of Us Research Program, National Institutes of Health
Classification: Uncertain significance for Breast-ovarian cancer, familial, susceptibility to, 2. Last evaluated: 2023-11-30. Review status: criteria provided, single submitter. Criteria: ACMG Guidelines, 2015. Collection method: clinical testing. Allele origin: germline. Inheritance: Autosomal dominant inheritance. Observed: 1 variant allele, 1 heterozygote.
Comment: This study involves interpretation of variants in research participants for the purpose of population health screening. Participant phenotype was not available at the time of variant classification. Additional details can be found in publication PMID: 35346344, PMCID: PMC8962531

Blueprint Genetics
Classification: Uncertain significance. Last evaluated: 2019-05-17. Review status: criteria provided, single submitter. Criteria: ACMG Guidelines, 2015. Collection method: clinical testing. Allele origin: germline.

Color Diagnostics, LLC DBA Color Health
Classification: Uncertain significance for Hereditary cancer-predisposing syndrome. Last evaluated: 2019-05-11. Review status: criteria provided, single submitter. Criteria: ACMG Guidelines, 2015. Collection method: clinical testing. Allele origin: germline.

GeneDx
Classification: Uncertain significance. Last evaluated: 2017-03-13. Review status: criteria provided, single submitter. Criteria: GeneDx Variant Classification (06012015). Collection method: clinical testing. Allele origin: germline. Affected: yes.
Comment: This variant is denoted BRCA2 c.7081C>T at the cDNA level, p.His2361Tyr (H2361Y) at the protein level, and results in the change of a Histidine to a Tyrosine (CAT>TAT). Using alternate nomenclature, this variant would be defined as BRCA2 7309C>T. This variant was observed in cell-free DNA from a patient with breast cancer (Liang 2016). BRCA2 His2361Tyr was not observed in large population cohorts (NHLBI Exome Sequencing Project, The 1000 Genomes Consortium 2015, Lek 2016). Since Histidine and Tyrosine differ in polarity, charge, size or other properties, this is considered a non-conservative amino acid substitution. BRCA2 His2361Tyr occurs at a position that is not conserved and is located in the FANCD2 binding domain (UniProt). In silico analyses are inconsistent regarding the effect this variant may have on protein structure and function. Based on currently available evidence, it is unclear whether BRCA2 His2361Tyr is a pathogenic or benign variant. We consider it to be a variant of uncertain significance.

Women's Health and Genetics/Laboratory Corporation of America, LabCorp
Classification: Uncertain significance. Last evaluated: 2016-05-04. Review status: criteria provided, single submitter. Criteria: LabCorp Variant Classification Summary - May 2015. Collection method: clinical testing. Allele origin: germline.
Comment: Variant summary: The BRCA2 c.7081C>T variant affects a non-conserved nucleotide, resulting in an amino acid change from His to Tyr. 3/5 in-silico tools predict this variant to be damaging. This variant was not found in 121234 control chromosomes. In addition, one clinical laboratory classified this variant as a VUS. The variant of interest has not, to our knowledge, been reported in affected individuals in the literature, nor evaluated for functional impact by in vivo/vitro studies. Because of the absence of clinical information and the lack of functional studies, the variant was classified as a variant of uncertain significance (VUS) until additional information becomes available.

Literature cited by the submitters: PubMed 29297111 (cited by Labcorp Genetics (formerly Invitae), Labcorp); PubMed 34326862 (cited by Labcorp Genetics (formerly Invitae), Labcorp); PubMed 25085752 (cited by Myriad Genetics, Inc.); PubMed 26667234 (cited by Ambry Genetics); PubMed 28664449 (cited by Ambry Genetics).